The following is an entry in ClinVar:

NM_014738.6(TMEM94):c.613-5G>A

Gene: TMEM94 (transmembrane protein 94; plus strand). Cytogenetic location: 17q25.1.
Variant type: single nucleotide variant.
Coding change: c.613-5G>A on transcript NM_014738.6 (MANE Select); 5 bases into the intron before coding-DNA position 613, G replaced by A.
Molecular consequence: intron variant.
Genome position (GRCh38, 1-based): chr17:75,488,754, G>A. VCF-style: chr17-75488754-G-A. GRCh37 (hg19) VCF-style: chr17-73484835-G-A.
Other names: NC_000017.10:g.73484835G>A; c.613-5G>A (NM_001321149.2, NM_001351202.2); c.643-5G>A (NM_001321148.2, NM_001351203.2).
Identifiers: ClinVar variation 3458663 (VCV003458663.2).
Genomic context (GRCh38, chr17:75,488,754, plus strand): 5'-TTGTCCAGGAAGAGTGGCCTCTGATAGGACCCTCTCGTTCCCACTCTCCCACTTGCTGCC[G>A]GCAGGATGACGAGCACATCGTCCTGGAGCCGGGAGACCTCTTCCCCCCCTTCTCCCCTCC-3'

ClinVar aggregate classification (germline): Uncertain significance (1 of 4 stars; one submission).

Conditions:
Inborn genetic diseases. Identifiers: MedGen C0950123, MeSH D030342.

gnomAD v4.1: 11 of 1,613,658 alleles (0.00068%); highest among the groups gnomAD compares: East Asian, 0.0022%; no homozygotes.

Submissions (2):

Ambry Genetics
Classification: Uncertain significance for Inborn genetic diseases. Last evaluated: 2024-11-12. Review status: criteria provided, single submitter. Criteria: Ambry Variant Classification Scheme 2023. Collection method: clinical testing. Allele origin: germline.
Comment: The c.613-5G>A intronic alteration consists of a G to A substitution 5 nucleotides before coding exon 6 in the TMEM94 gene. Based on insufficient or conflicting evidence, the clinical significance of this alteration remains unclear.

Dr. Peter K. Rogan Lab, Western University
No classification provided (evidence only). Condition: Squamous cell carcinoma of the head and neck. Review status: no classification provided. Collection method: in vitro. Allele origin: not applicable. Functional consequence: retained intron. Not counted in ClinVar's aggregate classification.